The following is an entry in ClinVar:

NM_032242.4(PLXNA1):c.2349A>C (p.Pro783=)

Gene: PLXNA1 (plexin A1; plus strand). Cytogenetic location: 3q21.3.
Variant type: single nucleotide variant.
Coding change: c.2349A>C on transcript NM_032242.4 (MANE Select); coding-DNA position 2349, A replaced by C.
Protein change: p.Pro783=; no amino-acid change (proline 783 retained).
Molecular consequence: synonymous variant.
Genome position (GRCh38, 1-based): chr3:127,014,055, A>C. VCF-style: chr3-127014055-A-C. GRCh37 (hg19) VCF-style: chr3-126732898-A-C.
Identifiers: ClinVar variation 3348725 (VCV003348725.1).

ClinVar aggregate classification (germline): Likely benign (0 of 4 stars; one submission).

Conditions:
PLXNA1-related disorder. Also called: PLXNA1-related condition.

gnomAD v4.1: 1 of 1,613,890 alleles (0.000062%); highest among the groups gnomAD compares: Non-Finnish European, 0.000085%; no homozygotes.

Submission:

PreventionGenetics, part of Exact Sciences
Classification: Likely benign for PLXNA1-related condition. Last evaluated: 2023-08-07. Review status: no assertion criteria provided. Collection method: clinical testing. Allele origin: germline.
Comment: This variant is classified as likely benign based on ACMG/AMP sequence variant interpretation guidelines (Richards et al. 2015 PMID: 25741868, with internal and published modifications).